The following is an entry in ClinVar:

NC_000005.9:g.(?_88119532)_(88119605_?)del

Gene: MEF2C (myocyte enhancer factor 2C; minus strand). Cytogenetic location: 5q14.3.
Variant type: Deletion.
Identifiers: ClinVar variation 3246393 (VCV003246393.1).

ClinVar aggregate classification (germline): Pathogenic (1 of 4 stars; one submission).

Conditions:
Neurodevelopmental disorder with hypotonia, stereotypic hand movements, and impaired language. Also called: Intellectual disability, autosomal dominant 20. Identifiers: Orphanet 228384, Orphanet 664410, MedGen C3150700, MONDO:0013266, OMIM 613443.

Submission:

Labcorp Genetics (formerly Invitae), Labcorp
Classification: Pathogenic for Neurodevelopmental disorder with hypotonia, stereotypic hand movements, and impaired language. Last evaluated: 2022-05-14. Review status: criteria provided, single submitter. Criteria: Invitae Variant Classification Sherloc (09022015). Collection method: clinical testing. Allele origin: unknown.
Comment: This variant is a gross deletion of the genomic region encompassing exon(s) 2 of the MEF2C gene, which includes the initiator codon. This deletion extends beyond the assayed region for this gene and therefore may encompass additional genes. It is expected to result in an absent or disrupted protein product. Loss-of-function variants in MEF2C are known to be pathogenic (PMID: 20513142). This variant has not been reported in the literature in individuals affected with MEF2C-related conditions. For these reasons, this variant has been classified as Pathogenic.

Literature cited by the submitters: PubMed 20513142.